The following is an entry in ClinVar:

NC_012920.1(MT-ND2):m.5266T>C

Gene: MT-ND2 (mitochondrially encoded NADH dehydrogenase 2; plus strand).
Variant type: single nucleotide variant.
Genome position: chrM-5266-T-C.
Identifiers: ClinVar variation 692562 (VCV000692562.1), dbSNP rs1603219857, ClinGen allele CA414779574.

ClinVar aggregate classification (germline): Uncertain significance (1 of 4 stars; one submission).

Conditions:
Leigh syndrome (NULS). Also called: Leigh's necrotizing encephalopathy; Leigh's disease; Leigh Syndrome (mtDNA deletion); Leigh Disease; Subacute necrotizing encephalopathy; Necrotizing encephalopathy infantile subacute of Leigh. Identifiers: Orphanet 506, MedGen C2931891, MONDO:0009723, OMIM 256000.

Submission:

Wong Mito Lab, Molecular and Human Genetics, Baylor College of Medicine
Classification: Uncertain significance for Leigh syndrome. Last evaluated: 2019-10-17. Review status: criteria provided, single submitter. Criteria: Modified ACMG Guidelines (Unpublished). Collection method: clinical testing. Allele origin: germline.
Comment: The NC_012920.1:m.5266T>C (YP_003024027.1:p.Ile266Thr) variant in MTND2 gene is interpretated to be a Uncertain Significance variant based on the modified ACMG guidelines (unpublished). This variant meets the following evidence codes: BP4